The following is an entry in ClinVar:

ClinVar aggregate classification (germline): Likely pathogenic (1 of 4 stars; one submission).

Conditions:
Bardet-Biedl syndrome 1 (BBS1). Identifiers: MedGen C2936862, MONDO:0008854, OMIM 209900. Disease mechanism: loss of function.

Submission:

Natera, Inc.
Classification: Likely pathogenic for Bardet-Biedl syndrome type 1. Last evaluated: 2025-04-29. Review status: criteria provided, single submitter. Criteria: Natera Variant Classification Schema (03/2026). Collection method: clinical testing. Allele origin: germline.
Comment: The c.1608+1G>T variant in BBS1 is a canonical splice donor site variant predicted to affect pre-mRNA splicing, which may result in an abnormal transcript and altered protein product. This variant is expected to result in nonsense mediated decay, truncation, or a dysfunctional protein product. This variant is rare in the general population with a frequency below the threshold expected for the associated phenotype(s). Given the available evidence, this variant is classified as Likely Pathogenic.

NM_024649.5(BBS1):c.1608+1G>T

Genes: BBS1 (Bardet-Biedl syndrome 1; plus strand), ZDHHC24 (zDHHC palmitoyltransferase 24; minus strand). Cytogenetic location: 11q13.2.
Variant type: single nucleotide variant.
Coding change: c.1608+1G>T on transcript NM_024649.5 (MANE Select); the canonical splice donor site of the intron after coding-DNA position 1608, G replaced by T.
Molecular consequence: splice donor variant. On other transcripts: intron variant (1).
Genome position (GRCh38, 1-based): chr11:66,531,029, G>T. VCF-style: chr11-66531029-G-T. GRCh37 (hg19) VCF-style: chr11-66298500-G-T.
Other names: c.560-1541C>A (NM_001348571.2).
Identifiers: ClinVar variation 4063649 (VCV004063649.1).
Genomic context (GRCh38, chr11:66,531,029, plus strand): 5'-CTGCTGGTCTGCTTCCTGTACAACGAGGCGCTCTATTCCCTGCCCCGGGCCTTCTTCAAG[G>T]TACTGGATGCTCCTCACTTAGATATGGAGTGGGAAAGGCCAGGGCAGGGGCCTGATGAGA-3'